The following is an entry in ClinVar:

ClinVar aggregate classification (germline): Likely pathogenic. Review status: reviewed by expert panel (3 of 4 stars). 2 submissions from 2 submitters: Likely pathogenic (1). 1 of the submissions does not count toward it. Last evaluated 2025-12-10.

Conditions:
Deficiency of guanidinoacetate methyltransferase (CCDS2). Also called: Guanidinoacetate Methyltransferase (GAMT) Deficiency; CEREBRAL CREATINE DEFICIENCY SYNDROME 2; GAMT DEFICIENCY. Identifiers: Orphanet 382, MedGen C0574080, MONDO:0012999, OMIM 612736.

Submissions (2):

ClinGen Cerebral Creatine Deficiency Syndromes Variant Curation Expert Panel, ClinGen
Classification: Likely pathogenic for Deficiency of guanidinoacetate methyltransferase. Last evaluated: 2025-12-10. Review status: reviewed by expert panel. Criteria: ClinGen CCDS ACMG Specifications GAMT V2.0.0. Collection method: curation. Allele origin: germline. Inheritance: Autosomal recessive inheritance.
Comment: The NM_000156.6:c.577C>T (Gln193Ter) variant in GAMT is a nonsense variant predicted to cause a premature stop codon in the last exon of the gene and therefore to escape nonsense mediated decay. More than 10% of the protein is predicted to be removed (PVS1_Strong). This variant has been detected in at least 2 individuals with GAMT deficiency (PMID: 23234264, 31130284), who were both homozygous for the variant (PM3). One of these patients had elevated urine GAA with low creatine (PMID: 23234264) (PP4). This variant is absent in gnomAD v4.1.0. (PM2_Supporting). There is a ClinVar entry for this variant (Variation ID: 2503890). In summary, this variant meets the criteria to be classified as likely pathogenic for GAMT deficiency based on the GAMT-specific ACMG/AMP criteria applied, as specified by the ClinGen Cerebral Creatine Deficiency Syndromes Variant Curation Expert Panel (Specifications Version 2.0.0): PVS1_Strong, PM2_Supporting, PM3, PP4. (Classification approved by the ClinGen Cerebral Creatine Deficiency Syndromes Variant Curation Expert Panel on December 10, 2025)

Women's Health and Genetics/Laboratory Corporation of America, LabCorp
Classification: Pathogenic for Deficiency of guanidinoacetate methyltransferase. Last evaluated: 2023-04-12. Review status: criteria provided, single submitter. Criteria: LabCorp Variant Classification Summary - May 2015. Collection method: clinical testing. Allele origin: germline. Not counted in ClinVar's aggregate classification.
Comment: Variant summary: GAMT c.577C>T (p.Gln193X) results in a premature termination codon, located in the last exon, therefore it is not expected to cause nonsense mediated decay (NMD), but is predicted to cause a truncation of the encoded protein, removing a part of the 236 amino acid long protein. Truncations downstream of this position have been reported in affected individuals (HGMD). The variant was absent in 242348 control chromosomes (gnomAD). c.577C>T has been reported in the literature in multiple homozygous individuals affected with Cerebral Creatine Deficiency Syndrome 2 (Cheillan_2012, Monies_2019). These data indicate that the variant is very likely to be associated with disease. To our knowledge, no experimental evidence demonstrating an impact on protein function has been reported. No clinical diagnostic laboratories have submitted clinical-significance assessments for this variant to ClinVar after 2014. Based on the evidence outlined above, the variant was classified as pathogenic.

Literature cited by the submitters: PubMed 31130284 (cited by Women's Health and Genetics/Laboratory Corporation of America, LabCorp); PubMed 23234264 (cited by Women's Health and Genetics/Laboratory Corporation of America, LabCorp).

NM_000156.6(GAMT):c.577C>T (p.Gln193Ter)

Gene: GAMT (guanidinoacetate N-methyltransferase; minus strand). Cytogenetic location: 19p13.3.
Variant type: single nucleotide variant.
Coding change: c.577C>T on transcript NM_000156.6 (MANE Select); coding-DNA position 577, C replaced by T.
Protein change: p.Gln193Ter; replaces glutamine 193 with a stop codon.
Molecular consequence: nonsense.
Genome position (GRCh38, 1-based): chr19:1,397,493, G>A on the plus strand (C>T on the coding strand, the complement: GAMT is on the minus strand). VCF-style: chr19-1397493-G-A. GRCh37 (hg19) VCF-style: chr19-1397492-G-A.
Other names: NM_000156.6(GAMT):c.577C>T; p.Gln193Ter; c.577C>T (NM_000156.5); short protein forms Q193*.
Identifiers: ClinVar variation 2503890 (VCV002503890.1), dbSNP rs2082607494, ClinGen allele CA402991043.